The following is an entry in ClinVar:

ClinVar aggregate classification (germline): Conflicting classifications of pathogenicity. Review status: criteria provided, conflicting classifications (1 of 4 stars). 5 submissions from 5 submitters: Uncertain significance (1); Likely benign (4). Last evaluated 2026-03-01.

Conditions:
Inborn genetic diseases. Identifiers: MedGen C0950123, MeSH D030342.
Developmental and epileptic encephalopathy, 14 (DEE14). Also called: Early infantile epileptic encephalopathy 14. Identifiers: Orphanet 293181, MedGen C3554195, MONDO:0013989, OMIM 614959.
Autosomal dominant nocturnal frontal lobe epilepsy 5. Also called: CILIARY DYSKINESIA, PRIMARY, 28, WITHOUT SITUS INVERSUS; CILIARY DYSKINESIA, PRIMARY, 28, WITH SITUS INVERSUS; KCNT1-Related Epilepsy; Epilepsy, nocturnal frontal lobe, 5. Identifiers: Orphanet 98784, MedGen C3554306, MONDO:0014002, OMIM 615005.

Allele frequency attached by ClinVar (database versions not stated): gnomAD exomes 0.00017 and 0.00023; gnomAD 0.00021 and 0.00022; TOPMed 0.00027; ExAC 0.00032; ESP Exome Variant Server 0.00038.
gnomAD v4.1: 282 of 1,613,664 alleles (0.017%); highest among the groups gnomAD compares: Middle Eastern, 0.083%; no homozygotes.

Submissions (5):

CeGaT Center for Human Genetics Tuebingen
Classification: Likely benign. Last evaluated: 2026-03-01. Review status: criteria provided, single submitter. Criteria: CeGaT Center For Human Genetics Tuebingen Variant Classification Criteria Version 2. Collection method: clinical testing. Allele origin: germline. Affected: yes. Observed: 4 variant alleles.
Comment: KCNT1: BP4

Labcorp Genetics (formerly Invitae), Labcorp
Classification: Likely benign for Autosomal dominant nocturnal frontal lobe epilepsy 5; Developmental and epileptic encephalopathy, 14. Last evaluated: 2026-02-03. Review status: criteria provided, single submitter. Criteria: Invitae Variant Classification Sherloc (09022015). Collection method: clinical testing. Allele origin: germline.

Ambry Genetics
Classification: Likely benign for Inborn genetic diseases. Last evaluated: 2022-05-10. Review status: criteria provided, single submitter. Criteria: Ambry Variant Classification Scheme 2023. Collection method: clinical testing. Allele origin: germline.

Institute for Clinical Genetics, University Hospital TU Dresden, University Hospital TU Dresden
Classification: Uncertain significance. Last evaluated: 2021-11-03. Review status: criteria provided, single submitter. Criteria: ACMG Guidelines, 2015. Collection method: clinical testing. Allele origin: germline.

GeneDx
Classification: Likely benign. Last evaluated: 2021-05-01. Review status: criteria provided, single submitter. Criteria: GeneDx Variant Classification Process June 2021. Collection method: clinical testing. Allele origin: germline. Affected: yes.
Comment: This variant is associated with the following publications: (PMID: 28166811)

NM_020822.3(KCNT1):c.1928G>A (p.Arg643Gln)

Gene: KCNT1 (potassium sodium-activated channel subfamily T member 1; plus strand). Cytogenetic location: 9q34.3.
Variant type: single nucleotide variant.
Coding change: c.1928G>A on transcript NM_020822.3 (MANE Select); coding-DNA position 1928, G replaced by A.
Protein change: p.Arg643Gln; replaces arginine 643 with glutamine.
Molecular consequence: missense variant.
Genome position (GRCh38, 1-based): chr9:135,771,015, G>A. VCF-style: chr9-135771015-G-A. GRCh37 (hg19) VCF-style: chr9-138662861-G-A.
Other names: c.1793G>A, p.Arg598Gln (NM_001272003.2); short protein forms R643Q, R598Q.
Identifiers: ClinVar variation 386260 (VCV000386260.59), dbSNP rs141281093, ClinGen allele CA5327107.